The following is an entry in ClinVar:

ClinVar aggregate classification (germline): Uncertain significance (1 of 4 stars; one submission).

Conditions:
Cardiovascular phenotype. Identifiers: MedGen CN230736.

gnomAD v4.1: 4 of 1,613,840 alleles (0.00025%); highest among the groups gnomAD compares: Admixed American, 0.0017%; no homozygotes.

Submission:

Ambry Genetics
Classification: Uncertain significance for Cardiovascular phenotype. Last evaluated: 2025-07-30. Review status: criteria provided, single submitter. Criteria: Ambry Variant Classification Scheme 2023. Collection method: clinical testing. Allele origin: germline.
Comment: The p.A447G variant (also known as c.1340C>G), located in coding exon 10 of the ABCG5 gene, results from a C to G substitution at nucleotide position 1340. The alanine at codon 447 is replaced by glycine, an amino acid with similar properties. This amino acid position is conserved. In addition, the in silico prediction for this alteration is inconclusive. Based on the available evidence, the clinical significance of this variant remains unclear.

NM_022436.3(ABCG5):c.1340C>G (p.Ala447Gly)

Genes: ABCG5 (ATP binding cassette subfamily G member 5; minus strand), DYNC2LI1 (dynein cytoplasmic 2 light intermediate chain 1; plus strand). Cytogenetic location: 2p21.
Variant type: single nucleotide variant.
Coding change: c.1340C>G on transcript NM_022436.3 (MANE Select); coding-DNA position 1340, C replaced by G.
Protein change: p.Ala447Gly; replaces alanine 447 with glycine.
Molecular consequence: missense variant. On other transcripts: intron variant (2).
Genome position (GRCh38, 1-based): chr2:43,822,920, G>C on the plus strand (C>G on the coding strand, the complement: ABCG5 is on the minus strand). VCF-style: chr2-43822920-G-C. GRCh37 (hg19) VCF-style: chr2-44050059-G-C.
Other names: c.*16-4466G>C (NM_001348913.2, NM_001348912.2); short protein forms A447G.
Identifiers: ClinVar variation 4146894 (VCV004146894.1).